The following is an entry in ClinVar:

NM_001276270.2(MBD4):c.952A>G (p.Ser318Gly)

Gene: MBD4 (methyl-CpG binding domain 4, DNA glycosylase; minus strand). Cytogenetic location: 3q21.3.
Variant type: single nucleotide variant.
Coding change: c.952A>G on transcript NM_001276270.2 (MANE Select); coding-DNA position 952, A replaced by G.
Protein change: p.Ser318Gly; replaces serine 318 with glycine.
Molecular consequence: missense variant. On other transcripts: intron variant (1).
Genome position (GRCh38, 1-based): chr3:129,436,692, T>C on the plus strand (A>G on the coding strand, the complement: MBD4 is on the minus strand). VCF-style: chr3-129436692-T-C. GRCh37 (hg19) VCF-style: chr3-129155535-T-C.
Other names: c.952A>G, p.Ser318Gly (NM_001276271.2, NM_001276272.2, NM_003925.3); c.247+1116A>G (NM_001276273.2); short protein forms S318G.
Identifiers: ClinVar variation 2706249 (VCV002706249.3), dbSNP rs2072468303, ClinGen allele CA354466885.

ClinVar aggregate classification (germline): Uncertain significance (1 of 4 stars; one submission).

Allele frequency attached by ClinVar (database versions not stated): TOPMed 0.00001.

Submission:

Labcorp Genetics (formerly Invitae), Labcorp
Classification: Uncertain significance. Last evaluated: 2023-12-29. Review status: criteria provided, single submitter. Criteria: Invitae Variant Classification Sherloc (09022015). Collection method: clinical testing. Allele origin: germline.
Comment: This sequence change replaces serine, which is neutral and polar, with glycine, which is neutral and non-polar, at codon 318 of the MBD4 protein (p.Ser318Gly). This variant is not present in population databases (gnomAD no frequency). This variant has not been reported in the literature in individuals affected with MBD4-related conditions. Algorithms developed to predict the effect of missense changes on protein structure and function output the following: SIFT: "Not Available"; PolyPhen-2: "Benign"; Align-GVGD: "Not Available". The glycine amino acid residue is found in multiple mammalian species, which suggests that this missense change does not adversely affect protein function. In summary, the available evidence is currently insufficient to determine the role of this variant in disease. Therefore, it has been classified as a Variant of Uncertain Significance.